The following is an entry in ClinVar:

ClinVar aggregate classification (germline): Likely benign. Review status: criteria provided, multiple submitters, no conflicts (2 of 4 stars). 3 submissions from 3 submitters: Likely benign (3). Last evaluated 2024-02-05.

Conditions:
Catecholaminergic polymorphic ventricular tachycardia (CVPT). Also called: Catecholamine-induced polymorphic ventricular tachycardia. Identifiers: Orphanet 3286, MedGen C5574922, MONDO:0017990.
Cardiomyopathy (CMYO). Also called: Cardiomyopathies. Identifiers: Orphanet 167848, MedGen C0878544, MONDO:0004994, HP:0001638. Inheritance: Various modes of inheritance.
Catecholaminergic polymorphic ventricular tachycardia 1. Also called: VENTRICULAR TACHYCARDIA, CATECHOLAMINERGIC POLYMORPHIC, 1, WITH OR WITHOUT ATRIAL DYSFUNCTION AND/OR DILATED CARDIOMYOPATHY; RYR2-Related Catecholaminergic Polymorphic Ventricular Tachycardia; VENTRICULAR TACHYCARDIA, STRESS-INDUCED POLYMORPHIC 1. Identifiers: Orphanet 3286, MedGen C1631597, MONDO:0011484, OMIM 604772.

Submissions (3):

Labcorp Genetics (formerly Invitae), Labcorp
Classification: Likely benign for Catecholaminergic polymorphic ventricular tachycardia 1. Last evaluated: 2024-02-05. Review status: criteria provided, single submitter. Criteria: Invitae Variant Classification Sherloc (09022015). Collection method: clinical testing. Allele origin: germline.

All of Us Research Program, National Institutes of Health
Classification: Likely benign for Catecholaminergic polymorphic ventricular tachycardia. Last evaluated: 2023-09-04. Review status: criteria provided, single submitter. Criteria: ACMG Guidelines, 2015. Collection method: clinical testing. Allele origin: germline. Inheritance: Autosomal dominant inheritance. Observed: 1 variant allele, 1 heterozygote.
Comment: This study involves interpretation of variants in research participants for the purpose of population health screening. Participant phenotype was not available at the time of variant classification. Additional details can be found in publication PMID: 35346344, PMCID: PMC8962531

Color Diagnostics, LLC DBA Color Health
Classification: Likely benign for Cardiomyopathy. Last evaluated: 2019-02-01. Review status: criteria provided, single submitter. Criteria: ACMG Guidelines, 2015. Collection method: clinical testing. Allele origin: germline.

NM_001035.3(RYR2):c.6023-8T>A

Gene: RYR2 (ryanodine receptor 2; plus strand). Cytogenetic location: 1q43.
Variant type: single nucleotide variant.
Coding change: c.6023-8T>A on transcript NM_001035.3 (MANE Select); 8 bases into the intron before coding-DNA position 6023, T replaced by A.
Molecular consequence: intron variant.
Genome position (GRCh38, 1-based): chr1:237,625,653, T>A. VCF-style: chr1-237625653-T-A. GRCh37 (hg19) VCF-style: chr1-237788953-T-A.
Identifiers: ClinVar variation 923857 (VCV000923857.6), dbSNP rs770641716, ClinGen allele CA913187717.